The following is an entry in ClinVar:

ClinVar aggregate classification (germline): Pathogenic (1 of 4 stars; one submission).

Submission:

CeGaT Center for Human Genetics Tuebingen
Classification: Pathogenic. Last evaluated: 2025-05-01. Review status: criteria provided, single submitter. Criteria: CeGaT Center For Human Genetics Tuebingen Variant Classification Criteria Version 2. Collection method: clinical testing. Allele origin: germline. Affected: yes. Observed: 1 variant allele.
Comment: ZBTB7A: PVS1, PM2, PS2:Moderate

NM_015898.4(ZBTB7A):c.897del (p.Ala300fs)

Gene: ZBTB7A (zinc finger and BTB domain containing 7A; minus strand). Cytogenetic location: 19p13.3.
Variant type: Deletion.
Coding change: c.897del on transcript NM_015898.4 (MANE Select); coding-DNA position 897, one base deleted (A; older notation c.897delA).
Protein change: p.Ala300fs; shifts the reading frame from alanine 300.
Molecular consequence: frameshift variant.
Genome position (GRCh38, 1-based): chr19:4,054,336, T deleted on the plus strand (A on the coding strand, the reverse complement: ZBTB7A is on the minus strand). VCF-style (leftmost placement, unchanged base first): chr19-4054335-CT-C. GRCh37 (hg19) VCF-style: chr19-4054333-CT-C.
Other names: c.897del, p.Ala300fs (NM_001317990.2); short protein forms A300fs.
Identifiers: ClinVar variation 3905985 (VCV003905985.10).
Genomic context (GRCh38, chr19:4,054,335, plus strand): 5'-GCAGCGTGCTGGCCGCCAGCCCGTCCACGTCGGGCCCGTCCCCGTCCTCGCCCTCGGCCG[CT>C]CCCGACAGGAAGCCCGGAGAGTCGCCCGGCTCGGGGGCCGCCTCCGACAGCGAGGCGGCC-3'